The following is an entry in ClinVar:

ClinVar aggregate classification (germline): Pathogenic (1 of 4 stars; one submission).

Conditions:
Hereditary cancer-predisposing syndrome. Also called: Hereditary Cancer Syndrome; Neoplastic Syndromes, Hereditary; Hereditary neoplastic syndrome; Tumor predisposition. Identifiers: Orphanet 140162, MedGen C0027672, MeSH D009386, MONDO:0015356.

Submission:

Ambry Genetics
Classification: Pathogenic for Hereditary cancer-predisposing syndrome. Last evaluated: 2014-10-28. Review status: criteria provided, single submitter. Criteria: Ambry Variant Classification Scheme 2023. Collection method: clinical testing. Allele origin: germline.
Comment: The c.2380dupA pathogenic mutation, located in coding exon 15 of the APC gene, results from a duplication of A at nucleotide position 2380, causing a translational frameshift with a predicted alternate stop codon. Since frameshifts are typically deleterious in nature, this alteration is interpreted as a disease-causing mutation (ACMG Recommendations for Standards for Interpretation and Reporting of Sequence Variations. Revision 2007. Genet Med. 2008;10:294).

NM_000038.6(APC):c.2380dup (p.Ser794fs)

Gene: APC (APC regulator of Wnt signaling pathway; plus strand). Cytogenetic location: 5q22.2.
Variant type: Duplication.
Coding change: c.2380dup on transcript NM_000038.6 (MANE Select); coding-DNA position 2380, one base duplicated (A; older notation c.2380dupA).
Protein change: p.Ser794fs; shifts the reading frame from serine 794.
Molecular consequence: frameshift variant.
Genome position (GRCh38, 1-based): chr5:112,837,974, A duplicated; the last of 3 consecutive A bases (chr5:112,837,972-112,837,974); duplicating any one gives the same sequence. VCF-style (leftmost placement, unchanged base first): chr5-112837971-C-CA. GRCh37 (hg19) VCF-style: chr5-112173668-C-CA.
Other names: c.2380dup, p.Ser794fs (NM_001127510.3, NM_001354895.2); c.2326dup, p.Ser776fs (NM_001127511.3); c.2434dup, p.Ser812fs (NM_001354896.2); c.2410dup, p.Ser804fs (NM_001354897.2); c.2305dup, p.Ser769fs (NM_001354898.2); c.2296dup, p.Ser766fs (NM_001354899.2); c.2257dup, p.Ser753fs (NM_001354900.2); c.2203dup, p.Ser735fs (NM_001354901.2); and 6 more; short protein forms S511fs, S634fs, S693fs, S753fs, S812fs, S668fs, S703fs, S766fs.
Identifiers: ClinVar variation 428118 (VCV000428118.5), dbSNP rs1114167564, ClinGen allele CA645369353.